The following is an entry in ClinVar:

ClinVar aggregate classification (germline): Conflicting classifications of pathogenicity. Review status: criteria provided, conflicting classifications (1 of 4 stars). 3 submissions from 3 submitters: Uncertain significance (2); Likely benign (1). Last evaluated 2025-07-22.

Conditions:
COL2A1-related disorder. Also called: COL2A1-related condition; COL2A1-related disorders.

Allele frequency attached by ClinVar (database versions not stated): TOPMed 0.00003.
gnomAD v4.1: 4 of 1,614,204 alleles (0.00025%); highest among the groups gnomAD compares: East Asian, 0.0089%; no homozygotes.

Submissions (3):

Women's Health and Genetics/Laboratory Corporation of America, LabCorp
Classification: Uncertain significance. Last evaluated: 2025-07-22. Review status: criteria provided, single submitter. Criteria: LabCorp Variant Classification Summary - May 2015. Collection method: clinical testing. Allele origin: germline.
Comment: Variant summary: COL2A1 c.3439C>G (p.Pro1147Ala) results in a non-conservative amino acid change in the encoded protein sequence. Algorithms developed to predict the effect of missense changes on protein structure and function all suggest that this variant is likely to be disruptive. The variant allele was found at a frequency of 4e-06 in 251458 control chromosomes. The available data on variant occurrences in the general population are insufficient to allow any conclusion about variant significance. c.3439C>G has been observed in an individual affected with Achondrogenesis, Type II (Zu_2021). These data do not allow any conclusion about variant significance. To our knowledge, no experimental evidence demonstrating an impact on protein function has been reported. The following publication have been ascertained in the context of this evaluation (PMID: 34194672). ClinVar contains an entry for this variant (Variation ID: 1023544). Based on the evidence outlined above, the variant was classified as uncertain significance.

Labcorp Genetics (formerly Invitae), Labcorp
Classification: Likely benign. Last evaluated: 2023-03-18. Review status: criteria provided, single submitter. Criteria: Invitae Variant Classification Sherloc (09022015). Collection method: clinical testing. Allele origin: germline.

PreventionGenetics, part of Exact Sciences
Classification: Uncertain significance for COL2A1-related condition. Last evaluated: 2023-02-08. Review status: criteria provided, single submitter. Criteria: ACMG Guidelines, 2015. Collection method: clinical testing. Allele origin: germline.
Comment: The COL2A1 c.3439C>G variant is predicted to result in the amino acid substitution p.Pro1147Ala. To our knowledge, this variant has not been reported in the literature. This variant is reported in 0.0054% of alleles in individuals of East Asian descent in gnomAD. At this time, the clinical significance of this variant is uncertain due to the absence of conclusive functional and genetic evidence.

Literature cited by the submitters: PubMed 34194672 (cited by Women's Health and Genetics/Laboratory Corporation of America, LabCorp).

NM_001844.5(COL2A1):c.3439C>G (p.Pro1147Ala)

Gene: COL2A1 (collagen type II alpha 1 chain; minus strand). Cytogenetic location: 12q13.11.
Variant type: single nucleotide variant.
Coding change: c.3439C>G on transcript NM_001844.5 (MANE Select); coding-DNA position 3439, C replaced by G.
Protein change: p.Pro1147Ala; replaces proline 1147 with alanine.
Molecular consequence: missense variant.
Genome position (GRCh38, 1-based): chr12:47,976,564, G>C on the plus strand (C>G on the coding strand, the complement: COL2A1 is on the minus strand). VCF-style: chr12-47976564-G-C. GRCh37 (hg19) VCF-style: chr12-48370347-G-C.
Other names: c.3232C>G, p.Pro1078Ala (NM_033150.3); c.3439C>G (NM_001844.4); short protein forms P1078A, P1147A.
Identifiers: ClinVar variation 1023544 (VCV001023544.10), dbSNP rs139720910, ClinGen allele CA6534749.